The following is an entry in ClinVar:

Conditions:
Long QT syndrome 5 (LQT5). Identifiers: Orphanet 101016, Orphanet 768, MedGen C1867904, MONDO:0013372, OMIM 613695.

Submission:

Roden Lab, Vanderbilt University Medical Center
No classification provided (evidence only). Condition: Long QT syndrome 5. Review status: no classification provided. Collection method: in vitro. Allele origin: not applicable. Functional consequence: Effect on ion channel function.
ClinVar note: "not provided" was previously submitted as the classification for the variant. However, the classification appeared to be based only on an observation of functional data so it was converted to no classification on 2025-07-30.

NM_000219.6(KCNE1):c.23C>A (p.Ala8Glu)

Gene: KCNE1 (potassium voltage-gated channel subfamily E regulatory subunit 1; minus strand). Cytogenetic location: 21q22.12.
Variant type: single nucleotide variant.
Coding change: c.23C>A on transcript NM_000219.6 (MANE Select); coding-DNA position 23, C replaced by A.
Protein change: p.Ala8Glu; replaces alanine 8 with glutamic acid.
Molecular consequence: missense variant.
Genome position (GRCh38, 1-based): chr21:34,449,612, G>T on the plus strand (C>A on the coding strand, the complement: KCNE1 is on the minus strand). VCF-style: chr21-34449612-G-T. GRCh37 (hg19) VCF-style: chr21-35821910-G-T.
Other names: c.23C>A, p.Ala8Glu (NM_001127668.4, NM_001127669.4, NM_001127670.4 and 4 more transcripts); short protein forms A8E.
Identifiers: ClinVar variation 3374380 (VCV003374380.2).
Genomic context (GRCh38, chr21:34,449,612, plus strand): 5'-GACATGTTGCCACCCTGCTGAACTGTCTCCTGCCACAGCTTGGTCAGAAAGGGCGTCACC[G>T]CTGTGGTGTTAGACAGGATCATCCTGGGCATTAAGGTTCCACTGCTGCAGCTCAAACTTC-3'
Protein context (NP_000210.2, residues 1-18): MILSNTT[Ala8Glu]VTPFLTKLWQ